The following is an entry in ClinVar:

NM_032888.4(COL27A1):c.4060C>T (p.Arg1354Ter)

Genes: COL27A1 (collagen type XXVII alpha 1 chain; plus strand), LOC126860736 (MED14-independent group 3 enhancer GRCh37_chr9:117050487-117051686; plus strand). Cytogenetic location: 9q32.
Variant type: single nucleotide variant.
Coding change: c.4060C>T on transcript NM_032888.4 (MANE Select); coding-DNA position 4060, C replaced by T.
Protein change: p.Arg1354Ter; replaces arginine 1354 with a stop codon.
Molecular consequence: nonsense.
Genome position (GRCh38, 1-based): chr9:114,288,717, C>T. VCF-style: chr9-114288717-C-T. GRCh37 (hg19) VCF-style: chr9-117050997-C-T.
Other names: short protein forms R1354*.
Identifiers: ClinVar variation 1334897 (VCV001334897.7), dbSNP rs753461513, ClinGen allele CA374599588.

ClinVar aggregate classification (germline): Pathogenic. Review status: criteria provided, multiple submitters, no conflicts (2 of 4 stars). 2 submissions from 2 submitters: Pathogenic (2). Last evaluated 2022-01-03.

Conditions:
Steel syndrome (STLS). Identifiers: Orphanet 438117, MedGen C3554594, MONDO:0014061, OMIM 615155.

gnomAD v4.1: 1 of 1,610,602 alleles (0.000062%); highest among the groups gnomAD compares: Non-Finnish European, 0.000085%; no homozygotes.

Submissions (2):

Labcorp Genetics (formerly Invitae), Labcorp
Classification: Pathogenic. Last evaluated: 2022-01-03. Review status: criteria provided, single submitter. Criteria: Invitae Variant Classification Sherloc (09022015). Collection method: clinical testing. Allele origin: germline.
Comment: This sequence change creates a premature translational stop signal (p.Arg1354*) in the COL27A1 gene. It is expected to result in an absent or disrupted protein product. Loss-of-function variants in COL27A1 are known to be pathogenic (PMID: 24986830, 28276056). For these reasons, this variant has been classified as Pathogenic. This variant has not been reported in the literature in individuals affected with COL27A1-related conditions. This variant is not present in population databases (gnomAD no frequency).

Suma Genomics
Classification: Pathogenic for Steel syndrome. Review status: criteria provided, single submitter. Criteria: ACMG Guidelines, 2015. Collection method: clinical testing. Allele origin: inherited. Inheritance: Autosomal recessive inheritance. Affected: yes.

Literature cited by the submitters: PubMed 24986830 (cited by Labcorp Genetics (formerly Invitae), Labcorp); PubMed 28276056 (cited by Labcorp Genetics (formerly Invitae), Labcorp).